The following is an entry in ClinVar:

ClinVar aggregate classification (germline): Uncertain significance (1 of 4 stars; one submission).

Allele frequency attached by ClinVar (database versions not stated): gnomAD exomes 0.00003.
gnomAD v4.1: 34 of 1,551,760 alleles (0.0022%); highest among the groups gnomAD compares: Non-Finnish European, 0.003%; no homozygotes.

Submission:

Labcorp Genetics (formerly Invitae), Labcorp
Classification: Uncertain significance. Last evaluated: 2022-07-11. Review status: criteria provided, single submitter. Criteria: Invitae Variant Classification Sherloc (09022015). Collection method: clinical testing. Allele origin: germline.
Comment: This variant has not been reported in the literature in individuals affected with UNC80-related conditions. This variant is not present in population databases (gnomAD no frequency). This sequence change replaces glycine, which is neutral and non-polar, with tryptophan, which is neutral and slightly polar, at codon 2709 of the UNC80 protein (p.Gly2709Trp). Algorithms developed to predict the effect of missense changes on protein structure and function are either unavailable or do not agree on the potential impact of this missense change (SIFT: "Not Available"; PolyPhen-2: "Probably Damaging"; Align-GVGD: "Not Available"). In summary, the available evidence is currently insufficient to determine the role of this variant in disease. Therefore, it has been classified as a Variant of Uncertain Significance. Algorithms developed to predict the effect of sequence changes on RNA splicing suggest that this variant may create or strengthen a splice site.

NM_001371986.1(UNC80):c.8323G>T (p.Gly2775Trp)

Gene: UNC80 (unc-80 subunit of NALCN channel complex; plus strand). Cytogenetic location: 2q34.
Variant type: single nucleotide variant.
Coding change: c.8323G>T on transcript NM_001371986.1 (MANE Select); coding-DNA position 8323, G replaced by T.
Protein change: p.Gly2775Trp; replaces glycine 2775 with tryptophan.
Molecular consequence: missense variant.
Genome position (GRCh38, 1-based): chr2:209,972,267, G>T. VCF-style: chr2-209972267-G-T. GRCh37 (hg19) VCF-style: chr2-210836991-G-T.
Other names: c.8125G>T, p.Gly2709Trp (NM_032504.2); c.8110G>T, p.Gly2704Trp (NM_182587.4); short protein forms G2704W, G2709W, G2775W.
Identifiers: ClinVar variation 1976450 (VCV001976450.5), dbSNP rs2471227098, ClinGen allele CA350412960.